The following is an entry in ClinVar:

NM_153638.4(PANK2):c.131G>T (p.Arg44Leu)

Gene: PANK2 (pantothenate kinase 2; plus strand). Cytogenetic location: 20p13.
Variant type: single nucleotide variant.
Coding change: c.131G>T on transcript NM_153638.4; coding-DNA position 131, G replaced by T.
Protein change: p.Arg44Leu; replaces arginine 44 with leucine.
Molecular consequence: missense variant. On other transcripts: intron variant (1).
Genome position (GRCh38, 1-based): chr20:3,889,231, G>T. VCF-style: chr20-3889231-G-T. GRCh37 (hg19) VCF-style: chr20-3869878-G-T.
Other names: c.131G>T, p.Arg44Leu (NM_001324192.1); c.-246+327G>T (NM_024960.6); short protein forms R44L.
Identifiers: ClinVar variation 287508 (VCV000287508.44), dbSNP rs200253730, ClinGen allele CA9750494.

ClinVar aggregate classification (germline): Uncertain significance. Review status: criteria provided, multiple submitters, no conflicts (2 of 4 stars). 5 submissions from 5 submitters: Uncertain significance (4). 1 of the submissions does not count toward it. Last evaluated 2026-05-22.

Conditions:
Pigmentary pallidal degeneration (NBIA1). Also called: PKAN NEUROAXONAL DYSTROPHY, JUVENILE-ONSET; HARP SYNDROME; Pantothenate Kinase-Associated Neurodegeneration; Neuroaxonal dystrophy, late infantile; Hallervorden-Spatz disease; Neurodegeneration with brain iron accumulation 1. Identifiers: Orphanet 157850, MedGen C0018523, MONDO:0009319, OMIM 234200.

Allele frequency attached by ClinVar (database versions not stated): ESP Exome Variant Server 0.00008; ExAC 0.00012; gnomAD exomes 0.00007; TOPMed 0.00007; gnomAD 0.00009.
gnomAD v4.1: 91 of 1,613,198 alleles (0.0056%); highest among the groups gnomAD compares: Middle Eastern, 0.016%; no homozygotes.

Submissions (5):

GeneDx
Classification: Uncertain significance. Last evaluated: 2026-05-22. Review status: criteria provided, single submitter. Criteria: GeneDx Variant Classification Process June 2021. Collection method: clinical testing. Allele origin: germline.
Comment: In silico analysis suggests that this missense variant does not alter protein structure/function; Has not been previously published as pathogenic or benign to our knowledge

Labcorp Genetics (formerly Invitae), Labcorp
Classification: Uncertain significance for Pigmentary pallidal degeneration. Last evaluated: 2024-12-03. Review status: criteria provided, single submitter. Criteria: Invitae Variant Classification Sherloc (09022015). Collection method: clinical testing. Allele origin: germline.
Comment: This sequence change replaces arginine, which is basic and polar, with leucine, which is neutral and non-polar, at codon 44 of the PANK2 protein (p.Arg44Leu). This variant is present in population databases (rs200253730, gnomAD 0.02%). This variant has not been reported in the literature in individuals affected with PANK2-related conditions. ClinVar contains an entry for this variant (Variation ID: 287508). Invitae Evidence Modeling of protein sequence and biophysical properties (such as structural, functional, and spatial information, amino acid conservation, physicochemical variation, residue mobility, and thermodynamic stability) indicates that this missense variant is not expected to disrupt PANK2 protein function with a negative predictive value of 95%. In summary, the available evidence is currently insufficient to determine the role of this variant in disease. Therefore, it has been classified as a Variant of Uncertain Significance.

CeGaT Center for Human Genetics Tuebingen
Classification: Uncertain significance. Last evaluated: 2022-01-01. Review status: criteria provided, single submitter. Criteria: CeGaT Center For Human Genetics Tuebingen Variant Classification Criteria Version 2. Collection method: clinical testing. Allele origin: germline. Affected: yes. Observed: 1 variant allele.

Eurofins Ntd Llc (ga)
Classification: Uncertain significance. Last evaluated: 2016-04-22. Review status: criteria provided, single submitter. Criteria: EGL Classification Definitions 2015. Collection method: clinical testing. Allele origin: germline. Observed: 1 variant allele, 1 heterozygote.

Department of Pathology and Laboratory Medicine, Sinai Health System
Classification: Uncertain significance. Review status: no assertion criteria provided. Collection method: clinical testing. Allele origin: unknown. Affected: yes. Study: The Canadian Open Genetics Repository (COGR). Not counted in ClinVar's aggregate classification.
Comment: The PANK2 p.R44L variant was not identified in the literature but was identified in dbSNP (ID: rs200253730) and ClinVar (classified as uncertain significance by EGL Genetic Diagnostics). The variant was identified in control databases in 22 of 278878 chromosomes at a frequency of 0.00007889 (Genome Aggregation Database March 6, 2019, v2.1.1). The p.R44 residue is not conserved in mammals and computational analyses (MUT Assesor, PolyPhen-2, SIFT, MutationTaster, Revel, FATHMM, MetaLR, DANN) provide inconsistent predictions regarding the impact to the protein; this information is not very predictive of pathogenicity. The variant occurs outside of the splicing consensus sequence and in silico or computational prediction software programs (Splice AI exome) do not predict a deleterious effect on splicing. In summary, based on the above information the clinical significance of this variant cannot be determined with certainty at this time. This variant is classified as a variant of uncertain significance.